The following is an entry in ClinVar:

ClinVar aggregate classification (germline): Uncertain significance (1 of 4 stars; one submission).

Conditions:
Inborn genetic diseases. Identifiers: MedGen C0950123, MeSH D030342.

Allele frequency attached by ClinVar (database versions not stated): gnomAD exomes below 0.00001.
gnomAD v4.1: 3 of 1,614,176 alleles (0.00019%); highest among the groups gnomAD compares: Non-Finnish European, 0.00025%; no homozygotes.

Submission:

Ambry Genetics
Classification: Uncertain significance for Inborn genetic diseases. Last evaluated: 2022-09-28. Review status: criteria provided, single submitter. Criteria: Ambry Variant Classification Scheme 2023. Collection method: clinical testing. Allele origin: germline.
Comment: The p.M225T variant (also known as c.674T>C), located in coding exon 6 of the EPAS1 gene, results from a T to C substitution at nucleotide position 674. The methionine at codon 225 is replaced by threonine, an amino acid with similar properties. This amino acid position is conserved. In addition, the in silico prediction for this alteration is inconclusive. Since supporting evidence is limited at this time, the clinical significance of this alteration remains unclear.

NM_001430.5(EPAS1):c.674T>C (p.Met225Thr)

Genes: EPAS1 (endothelial PAS domain protein 1; plus strand), LOC126806210 (BRD4-independent group 4 enhancer GRCh37_chr2:46587586-46588785; plus strand). Cytogenetic location: 2p21.
Variant type: single nucleotide variant.
Coding change: c.674T>C on transcript NM_001430.5 (MANE Select); coding-DNA position 674, T replaced by C.
Protein change: p.Met225Thr; replaces methionine 225 with threonine.
Molecular consequence: missense variant.
Genome position (GRCh38, 1-based): chr2:46,360,985, T>C. VCF-style: chr2-46360985-T-C. GRCh37 (hg19) VCF-style: chr2-46588124-T-C.
Other names: short protein forms M225T.
Identifiers: ClinVar variation 1755240 (VCV001755240.2), dbSNP rs575152514, ClinGen allele CA46545646.